The following is an entry in ClinVar:

NM_020937.4(FANCM):c.337A>G (p.Thr113Ala)

Gene: FANCM (FA complementation group M; plus strand). Cytogenetic location: 14q21.2.
Variant type: single nucleotide variant.
Coding change: c.337A>G on transcript NM_020937.4 (MANE Select); coding-DNA position 337, A replaced by G.
Protein change: p.Thr113Ala; replaces threonine 113 with alanine.
Molecular consequence: missense variant.
Genome position (GRCh38, 1-based): chr14:45,136,368, A>G. VCF-style: chr14-45136368-A-G. GRCh37 (hg19) VCF-style: chr14-45605571-A-G.
Other names: c.337A>G, p.Thr113Ala (NM_001308133.2, NM_001308134.2); short protein forms T113A.
Identifiers: ClinVar variation 3371862 (VCV003371862.2).

ClinVar aggregate classification (germline): Uncertain significance. Review status: criteria provided, multiple submitters, no conflicts (2 of 4 stars). 2 submissions from 2 submitters: Uncertain significance (2). Last evaluated 2025-06-06.

Conditions:
Inborn genetic diseases. Identifiers: MedGen C0950123, MeSH D030342.

gnomAD v4.1: 1 of 1,614,156 alleles (0.000062%); highest among the groups gnomAD compares: Non-Finnish European, 0.000085%; no homozygotes.

Submissions (2):

Ambry Genetics
Classification: Uncertain significance for Inborn genetic diseases. Last evaluated: 2025-06-06. Review status: criteria provided, single submitter. Criteria: Ambry Variant Classification Scheme 2023. Collection method: clinical testing. Allele origin: germline.
Comment: The p.T113A variant (also known as c.337A>G), located in coding exon 1 of the FANCM gene, results from an A to G substitution at nucleotide position 337. The threonine at codon 113 is replaced by alanine, an amino acid with similar properties. This amino acid position is conserved. In addition, this alteration is predicted to be deleterious by in silico analysis. Based on the available evidence, the clinical significance of this variant remains unclear.

GeneDx
Classification: Uncertain significance. Last evaluated: 2024-04-05. Review status: criteria provided, single submitter. Criteria: GeneDx Variant Classification Process June 2021. Collection method: clinical testing. Allele origin: germline. Affected: yes.
Comment: Not observed at significant frequency in large population cohorts (gnomAD); In silico analysis supports that this missense variant has a deleterious effect on protein structure/function; Has not been previously published as pathogenic or benign to our knowledge